The following is an entry in ClinVar:

ClinVar aggregate classification (germline): Uncertain significance (1 of 4 stars; one submission).

Conditions:
Inborn genetic diseases. Identifiers: MedGen C0950123, MeSH D030342.

gnomAD v4.1: 3 of 1,614,032 alleles (0.00019%); highest among the groups gnomAD compares: South Asian, 0.0033%; no homozygotes.

Submission:

Ambry Genetics
Classification: Uncertain significance for Inborn genetic diseases. Last evaluated: 2025-12-07. Review status: criteria provided, single submitter. Criteria: Ambry Variant Classification Scheme 2023. Collection method: clinical testing. Allele origin: germline.
Comment: The p.H103Y variant (also known as c.307C>T), located in coding exon 2 of the HAX1 gene, results from a C to T substitution at nucleotide position 307. The histidine at codon 103 is replaced by tyrosine, an amino acid with similar properties. This amino acid position is conserved. In addition, this alteration is predicted to be tolerated by in silico analysis. Based on the available evidence, the clinical significance of this variant remains unclear.

NM_006118.4(HAX1):c.307C>T (p.His103Tyr)

Gene: HAX1 (HCLS1 associated protein X-1; plus strand). Cytogenetic location: 1q21.3.
Variant type: single nucleotide variant.
Coding change: c.307C>T on transcript NM_006118.4 (MANE Select); coding-DNA position 307, C replaced by T.
Protein change: p.His103Tyr; replaces histidine 103 with tyrosine.
Molecular consequence: missense variant.
Genome position (GRCh38, 1-based): chr1:154,273,589, C>T. VCF-style: chr1-154273589-C-T. GRCh37 (hg19) VCF-style: chr1-154246065-C-T.
Other names: c.163C>T, p.His55Tyr (NM_001018837.2); short protein forms H103Y, H55Y.
Identifiers: ClinVar variation 4621345 (VCV004621345.1).